The following is an entry in ClinVar:

NM_000466.3(PEX1):c.2140_2145dup (p.712_713SQ[3])

Gene: PEX1 (peroxisomal biogenesis factor 1; minus strand). Cytogenetic location: 7q21.2.
Variant type: Duplication.
Coding change: c.2140_2145dup on transcript NM_000466.3 (MANE Select); coding-DNA positions 2140 to 2145, 6 bases duplicated (TCTCAG; older notation c.2140_2145dupTCTCAG).
Protein change: p.712_713SQ[3].
Molecular consequence: inframe insertion.
Genome position (GRCh38, 1-based): chr7:92,503,122-92,503,127, CTGAGA duplicated on the plus strand (TCTCAG on the coding strand, the reverse complement: PEX1 is on the minus strand); duplicating any 6 consecutive bases within chr7:92,503,122-92,503,131 gives the same sequence; the c. name uses the placement nearest the transcript's 3' end. VCF-style (leftmost placement, unchanged base first): chr7-92503121-G-GCTGAGA. GRCh37 (hg19) VCF-style: chr7-92132435-G-GCTGAGA.
Other names: c.1969_1974dup, p.655_656SQ[3] (NM_001282677.2); c.1516_1521dup, p.504_505SQ[3] (NM_001282678.2).
Identifiers: ClinVar variation 555759 (VCV000555759.5), dbSNP rs1554371691, ClinGen allele CA658823120.

ClinVar aggregate classification (germline): Uncertain significance. Review status: criteria provided, single submitter (1 of 4 stars). 2 submissions from 2 submitters: Uncertain significance (1). 1 of the submissions does not count toward it. Last evaluated 2021-12-15.

Conditions:
Zellweger spectrum disorders (ZS). Also called: Zellweger Spectrum Disorder (ZSD); Zellweger Spectrum Disorder; Zellweger Spectrum; Zellweger syndrome. Identifiers: Orphanet 912, MedGen C0043459, MONDO:0019609.
Peroxisome biogenesis disorder 1A (Zellweger) (PBD1A). Also called: Peroxisome biogenesis disorder 1a; Zellweger leukodystrophy. Identifiers: MedGen C4721541, MONDO:0008953, OMIM 214100.

Submissions (2):

Labcorp Genetics (formerly Invitae), Labcorp
Classification: Uncertain significance for Zellweger spectrum disorders. Last evaluated: 2021-12-15. Review status: criteria provided, single submitter. Criteria: Invitae Variant Classification Sherloc (09022015). Collection method: clinical testing. Allele origin: germline.
Comment: This variant, c.2140_2145dup, results in the insertion of 2 amino acid(s) of the PEX1 protein (p.Ser714_Gln715dup), but otherwise preserves the integrity of the reading frame. This variant is not present in population databases (gnomAD no frequency). This variant has been observed in individual(s) with a Zellweger spectrum disorder (PMID: 32596134). ClinVar contains an entry for this variant (Variation ID: 555759). Experimental studies and prediction algorithms are not available or were not evaluated, and the functional significance of this variant is currently unknown. In summary, the available evidence is currently insufficient to determine the role of this variant in disease. Therefore, it has been classified as a Variant of Uncertain Significance.

Counsyl
Classification: Uncertain significance for Peroxisome biogenesis disorder 1A (Zellweger). Last evaluated: 2017-12-21. Review status: no assertion criteria provided. Collection method: clinical testing. Allele origin: unknown. Not counted in ClinVar's aggregate classification.

Literature cited by the submitters: PubMed 32596134 (cited by Labcorp Genetics (formerly Invitae), Labcorp).